The following is an entry in ClinVar:

NM_006446.5(SLCO1B1):c.*439T>G

Gene: SLCO1B1 (solute carrier organic anion transporter family member 1B1; plus strand). Cytogenetic location: 12p12.1.
Variant type: single nucleotide variant.
Coding change: c.*439T>G on transcript NM_006446.5 (MANE Select); 439 bases downstream of the stop codon, T replaced by G.
Molecular consequence: 3 prime UTR variant.
Genome position (GRCh38, 1-based): chr12:21,239,628, T>G. VCF-style: chr12-21239628-T-G. GRCh37 (hg19) VCF-style: chr12-21392562-T-G.
Other names: c.*439T>G (LRG_1022t1).
Identifiers: ClinVar variation 307967 (VCV000307967.5), dbSNP rs4149087, ClinGen allele CA10637017.

ClinVar aggregate classification (germline): Benign (1 of 4 stars; one submission).

Conditions:
Rotor syndrome (HBLRR). Also called: HYPERBILIRUBINEMIA, ROTOR TYPE, DIGENIC; HYPERBILIRUBINEMIA, ROTOR TYPE. Identifiers: Orphanet 3111, MedGen C0220991, MONDO:0009379, OMIM 237450.

Allele frequency attached by ClinVar (database versions not stated): TOPMed 0.38739; gnomAD 0.38797 and 0.39313; 1000 Genomes Project 30x 0.44113; 1000 Genomes Project 0.44768.
gnomAD v4.1: 59,946 of 152,000 alleles (39%); highest among the groups gnomAD compares: East Asian, 74%; 12,568 homozygotes.

Submission:

Illumina Laboratory Services, Illumina
Classification: Benign for Rotor syndrome. Last evaluated: 2018-01-12. Review status: criteria provided, single submitter. Criteria: ICSL Variant Classification Criteria 13 December 2019. Collection method: clinical testing. Allele origin: germline.
Comment: This variant was observed in the ICSL laboratory as part of a predisposition screen in an ostensibly healthy population. It had not been previously curated by ICSL or reported in the Human Gene Mutation Database (HGMD: prior to June 1st, 2018), and was therefore a candidate for classification through an automated scoring system. Utilizing variant allele frequency, disease prevalence and penetrance estimates, and inheritance mode, an automated score was calculated to assess if this variant is too frequent to cause the disease. Based on the score and internal cut-off values, a variant classified as benign is not then subjected to further curation. The score for this variant resulted in a classification of benign for this disease.